The following is an entry in ClinVar:

NM_001330078.2(NRXN1):c.59T>G (p.Leu20Arg)

Gene: NRXN1 (neurexin 1; minus strand). Cytogenetic location: 2p16.3.
Variant type: single nucleotide variant.
Coding change: c.59T>G on transcript NM_001330078.2 (MANE Select); coding-DNA position 59, T replaced by G.
Protein change: p.Leu20Arg; replaces leucine 20 with arginine.
Molecular consequence: missense variant.
Genome position (GRCh38, 1-based): chr2:51,028,215, A>C on the plus strand (T>G on the coding strand, the complement: NRXN1 is on the minus strand). VCF-style: chr2-51028215-A-C. GRCh37 (hg19) VCF-style: chr2-51255353-A-C.
Other names: c.59T>G, p.Leu20Arg (NM_001330087.2, NM_001330088.2, NM_001330095.2 and 15 more transcripts); short protein forms L20R.
Identifiers: ClinVar variation 861053 (VCV000861053.9), dbSNP rs1670923027, ClinGen allele CA346824797.
Genomic context (GRCh38, chr2:51,028,215, plus strand): 5'-CATTGGCCCTCGGCGCCCGGAAACTCCAGCCCGCTGCCCAGCTCCGCCCAGCAGCCCAGG[A>C]GCAGCAGCGAGAGGCACAGAAGAAAACAGCCCCCGCGCTGGAGCAGCGCCGTCCCCATGC-3'
Protein context (NP_001317007.1, residues 10-30): GCFLLCLSLL[Leu20Arg]LGCWAELGSG

ClinVar aggregate classification (germline): Uncertain significance (1 of 4 stars; one submission).

Conditions:
Pitt-Hopkins-like syndrome 2 (PTHSL2). Identifiers: Orphanet 221150, Orphanet 600663, MedGen C3280479, MONDO:0013690, OMIM 614325.

Allele frequency attached by ClinVar (database versions not stated): gnomAD 0.00001.
gnomAD v4.1: 1 of 1,480,788 alleles (0.000068%); highest among the groups gnomAD compares: African/African-American, 0.0014%; no homozygotes.

Submission:

Labcorp Genetics (formerly Invitae), Labcorp
Classification: Uncertain significance for Pitt-Hopkins-like syndrome 2. Last evaluated: 2022-08-23. Review status: criteria provided, single submitter. Criteria: Invitae Variant Classification Sherloc (09022015). Collection method: clinical testing. Allele origin: germline.
Comment: In summary, the available evidence is currently insufficient to determine the role of this variant in disease. Therefore, it has been classified as a Variant of Uncertain Significance. Algorithms developed to predict the effect of missense changes on protein structure and function are either unavailable or do not agree on the potential impact of this missense change (SIFT: "Deleterious"; PolyPhen-2: "Possibly Damaging"; Align-GVGD: "Class C0"). ClinVar contains an entry for this variant (Variation ID: 861053). This variant has not been reported in the literature in individuals affected with NRXN1-related conditions. This variant is not present in population databases (gnomAD no frequency). This sequence change replaces leucine, which is neutral and non-polar, with arginine, which is basic and polar, at codon 20 of the NRXN1 protein (p.Leu20Arg).